The following is an entry in ClinVar:

ClinVar aggregate classification (germline): Uncertain significance (1 of 4 stars; one submission).

Submission:

Women's Health and Genetics/Laboratory Corporation of America, LabCorp
Classification: Uncertain significance. Last evaluated: 2025-04-14. Review status: criteria provided, single submitter. Criteria: LabCorp Variant Classification Summary - May 2015. Collection method: clinical testing. Allele origin: germline.
Comment: Variant summary: FGFR1 c.853C>T (p.Pro285Ser) results in a non-conservative amino acid change in the encoded protein sequence. Three of five in-silico tools predict a damaging effect of the variant on protein function. The variant was absent in 249608 control chromosomes (gnomAD). The available data on variant occurrences in the general population are insufficient to allow any conclusion about variant significance. To our knowledge, no occurrence of c.853C>T in individuals affected with FGFR1-Related Disorders and no experimental evidence demonstrating its impact on protein function have been reported. No submitters have cited clinical-significance assessments for this variant to ClinVar. Based on the evidence outlined above, the variant was classified as uncertain significance.

NM_023110.3(FGFR1):c.853C>T (p.Pro285Ser)

Gene: FGFR1 (fibroblast growth factor receptor 1; minus strand). Cytogenetic location: 8p11.23.
Variant type: single nucleotide variant.
Coding change: c.853C>T on transcript NM_023110.3 (MANE Select); coding-DNA position 853, C replaced by T.
Protein change: p.Pro285Ser; replaces proline 285 with serine.
Molecular consequence: missense variant.
Genome position (GRCh38, 1-based): chr8:38,424,592, G>A on the plus strand (C>T on the coding strand, the complement: FGFR1 is on the minus strand). VCF-style: chr8-38424592-G-A. GRCh37 (hg19) VCF-style: chr8-38282110-G-A.
Other names: c.853C>T, p.Pro285Ser (NM_001174063.2); c.829C>T, p.Pro277Ser (NM_001174064.2); c.847C>T, p.Pro283Ser (NM_001174065.2, NM_001354367.2, NM_001354369.2 and 2 more transcripts); c.586C>T, p.Pro196Ser (NM_001174066.2, NM_023105.3); c.946C>T, p.Pro316Ser (NM_001174067.2); c.580C>T, p.Pro194Ser (NM_001354368.2, NM_001354370.2, NM_023106.3); short protein forms P194S, P196S, P277S, P283S, P285S, P316S.
Identifiers: ClinVar variation 3896305 (VCV003896305.2).